The following is an entry in ClinVar:

NM_000548.5(TSC2):c.2355+8G>A

Gene: TSC2 (TSC complex subunit 2; plus strand). Cytogenetic location: 16p13.3.
Variant type: single nucleotide variant.
Coding change: c.2355+8G>A on transcript NM_000548.5 (MANE Select); 8 bases into the intron after coding-DNA position 2355, G replaced by A.
Molecular consequence: intron variant.
Genome position (GRCh38, 1-based): chr16:2,072,991, G>A. VCF-style: chr16-2072991-G-A. GRCh37 (hg19) VCF-style: chr16-2122992-G-A.
Other names: c.2355+8G>A (NM_001114382.3, NM_021055.3, NM_001370405.1 and 3 more transcripts); c.2244+8G>A (NM_001318827.2); c.1755+8G>A (NM_001318831.2); c.2208+8G>A (NM_001318829.2); c.2388+8G>A (NM_001318832.2).
Identifiers: ClinVar variation 318321 (VCV000318321.16), dbSNP rs199558375, ClinGen allele CA038645.

ClinVar aggregate classification (germline): Conflicting classifications of pathogenicity. Review status: criteria provided, conflicting classifications (1 of 4 stars). 5 submissions from 5 submitters: Uncertain significance (1); Benign (1); Likely benign (3). Last evaluated 2026-01-13.

Conditions:
Tuberous sclerosis syndrome (TSC). Also called: Tuberous Sclerosis Complex; Tuberous sclerosis. Identifiers: Orphanet 805, MedGen C0041341, MONDO:0001734.
Tuberous sclerosis 2 (TSC2). Identifiers: Orphanet 805, MedGen C1860707, MONDO:0013199, OMIM 613254.

Allele frequency attached by ClinVar (database versions not stated): ExAC 0.00001; gnomAD 0.00001; gnomAD exomes 0.00001.
gnomAD v4.1: 15 of 1,613,216 alleles (0.00093%); highest among the groups gnomAD compares: East Asian, 0.02%; no homozygotes.

Submissions (5):

Labcorp Genetics (formerly Invitae), Labcorp
Classification: Likely benign for Tuberous sclerosis 2. Last evaluated: 2026-01-13. Review status: criteria provided, single submitter. Criteria: Invitae Variant Classification Sherloc (09022015). Collection method: clinical testing. Allele origin: germline.

Myriad Genetics, Inc.
Classification: Benign for Tuberous sclerosis 2. Last evaluated: 2024-09-09. Review status: criteria provided, single submitter. Criteria: Myriad Autosomal Dominant, Autosomal Recessive and X-Linked Classification Criteria (2023). Collection method: clinical testing. Allele origin: unknown.
Comment: This variant is considered benign. This variant is intronic and is not expected to impact mRNA splicing. This variant has been observed at a population frequency that is significantly greater than expected given the associated disease prevalence and penetrance.

Genome-Nilou Lab
Classification: Likely benign for Tuberous sclerosis 2. Last evaluated: 2021-11-07. Review status: criteria provided, single submitter. Criteria: ACMG Guidelines, 2015. Collection method: clinical testing. Allele origin: germline. Affected: no.

Illumina Laboratory Services, Illumina
Classification: Uncertain significance for Tuberous sclerosis syndrome. Last evaluated: 2018-01-13. Review status: criteria provided, single submitter. Criteria: ICSL Variant Classification Criteria 13 December 2019. Collection method: clinical testing. Allele origin: germline.

GeneDx
Classification: Likely benign. Last evaluated: 2016-10-07. Review status: criteria provided, single submitter. Criteria: GeneDx Variant Classification (06012015). Collection method: clinical testing. Allele origin: germline. Affected: yes.
Comment: This variant is considered likely benign or benign based on one or more of the following criteria: it is a conservative change, it occurs at a poorly conserved position in the protein, it is predicted to be benign by multiple in silico algorithms, and/or has population frequency not consistent with disease.